The following is an entry in ClinVar:

ClinVar aggregate classification (germline): Uncertain significance (1 of 4 stars; one submission).

Conditions:
Renal carnitine transport defect (CDSP). Also called: Systemic primary carnitine deficiency; CARNITINE DEFICIENCY, SYSTEMIC, DUE TO DEFECT IN RENAL REABSORPTION OF CARNITINE; CARNITINE TRANSPORTER, PLASMA-MEMBRANE, DEFICIENCY OF; CARNITINE UPTAKE DEFECT; Primary carnitine deficiency; Carnitine transporter deficiency. Identifiers: Orphanet 158, MedGen C0342788, MONDO:0008919, OMIM 212140.

Allele frequency attached by ClinVar (database versions not stated): TOPMed below 0.00001.
gnomAD v4.1: 1 of 1,614,086 alleles (0.000062%); no homozygotes.

Submission:

Labcorp Genetics (formerly Invitae), Labcorp
Classification: Uncertain significance for Renal carnitine transport defect. Last evaluated: 2022-05-21. Review status: criteria provided, single submitter. Criteria: Invitae Variant Classification Sherloc (09022015). Collection method: clinical testing. Allele origin: germline.
Comment: This sequence change replaces glycine, which is neutral and non-polar, with aspartic acid, which is acidic and polar, at codon 514 of the SLC22A5 protein (p.Gly514Asp). This variant is not present in population databases (gnomAD no frequency). This variant has not been reported in the literature in individuals affected with SLC22A5-related conditions. Advanced modeling of protein sequence and biophysical properties (such as structural, functional, and spatial information, amino acid conservation, physicochemical variation, residue mobility, and thermodynamic stability) performed at Invitae indicates that this missense variant is expected to disrupt SLC22A5 protein function. In summary, the available evidence is currently insufficient to determine the role of this variant in disease. Therefore, it has been classified as a Variant of Uncertain Significance.

NM_003060.4(SLC22A5):c.1541G>A (p.Gly514Asp)

Gene: SLC22A5 (solute carrier family 22 member 5; plus strand). Cytogenetic location: 5q31.1.
Variant type: single nucleotide variant.
Coding change: c.1541G>A on transcript NM_003060.4 (MANE Select); coding-DNA position 1541, G replaced by A.
Protein change: p.Gly514Asp; replaces glycine 514 with aspartic acid.
Molecular consequence: missense variant.
Genome position (GRCh38, 1-based): chr5:132,393,766, G>A. VCF-style: chr5-132393766-G-A. GRCh37 (hg19) VCF-style: chr5-131729458-G-A.
Other names: c.1613G>A, p.Gly538Asp (NM_001308122.2); short protein forms G538D, G514D.
Identifiers: ClinVar variation 2153702 (VCV002153702.1), dbSNP rs1457888691, ClinGen allele CA360809915.